The following is an entry in ClinVar:

NM_000238.4(KCNH2):c.755G>C (p.Arg252Pro)

Gene: KCNH2 (potassium voltage-gated channel subfamily H member 2; minus strand). Cytogenetic location: 7q36.1.
Variant type: single nucleotide variant.
Coding change: c.755G>C on transcript NM_000238.4 (MANE Select); coding-DNA position 755, G replaced by C.
Protein change: p.Arg252Pro; replaces arginine 252 with proline.
Molecular consequence: missense variant. On other transcripts: non-coding transcript variant (1).
Genome position (GRCh38, 1-based): chr7:150,958,220, C>G on the plus strand (G>C on the coding strand, the complement: KCNH2 is on the minus strand). VCF-style: chr7-150958220-C-G. GRCh37 (hg19) VCF-style: chr7-150655308-C-G.
Other names: c.467G>C, p.Arg156Pro (NM_001406753.1, NM_001406756.1); c.578G>C, p.Arg193Pro (NM_001406755.1); c.455G>C, p.Arg152Pro (NM_001406757.1); c.755G>C, p.Arg252Pro (NM_172056.3); short protein forms R152P, R156P, R193P, R252P.
Identifiers: ClinVar variation 3339452 (VCV003339452.3).

ClinVar aggregate classification (germline): Uncertain significance. Review status: criteria provided, multiple submitters, no conflicts (2 of 4 stars). 2 submissions from 2 submitters: Uncertain significance (2). Last evaluated 2024-07-31.

Conditions:
Long QT syndrome (LQTS). Identifiers: MedGen C0023976, MeSH D008133, MONDO:0002442. Disease mechanism: loss of function. Inheritance: Various modes of inheritance.

Submissions (2):

Women's Health and Genetics/Laboratory Corporation of America, LabCorp
Classification: Uncertain significance. Last evaluated: 2024-07-31. Review status: criteria provided, single submitter. Criteria: LabCorp Variant Classification Summary - May 2015. Collection method: clinical testing. Allele origin: germline.
Comment: Variant summary: KCNH2 c.755G>C (p.Arg252Pro) results in a non-conservative amino acid change in the encoded protein sequence. Three of five in-silico tools predict a benign effect of the variant on protein function. The variant was absent in 33492 control chromosomes. The available data on variant occurrences in the general population are insufficient to allow any conclusion about variant significance. To our knowledge, no occurrence of c.755G>C in individuals affected with Arrhythmia and no experimental evidence demonstrating its impact on protein function have been reported. No submitters have cited clinical-significance assessments for this variant to ClinVar. Based on the evidence outlined above, the variant was classified as uncertain significance.

Labcorp Genetics (formerly Invitae), Labcorp
Classification: Uncertain significance for Long QT syndrome. Last evaluated: 2024-03-25. Review status: criteria provided, single submitter. Criteria: Invitae Variant Classification Sherloc (09022015). Collection method: clinical testing. Allele origin: germline.
Comment: This sequence change replaces arginine, which is basic and polar, with proline, which is neutral and non-polar, at codon 252 of the KCNH2 protein (p.Arg252Pro). This variant is not present in population databases (gnomAD no frequency). This variant has not been reported in the literature in individuals affected with KCNH2-related conditions. An algorithm developed to predict the effect of missense changes on protein structure and function (PolyPhen-2) suggests that this variant is likely to be disruptive. In summary, the available evidence is currently insufficient to determine the role of this variant in disease. Therefore, it has been classified as a Variant of Uncertain Significance.